The following is an entry in ClinVar:

NM_001005242.3(PKP2):c.2028G>A (p.Val676=)

Gene: PKP2 (plakophilin 2; minus strand). Cytogenetic location: 12p11.21.
Variant type: single nucleotide variant.
Coding change: c.2028G>A on transcript NM_001005242.3 (MANE Select); coding-DNA position 2028, G replaced by A.
Protein change: p.Val676=; no amino-acid change (valine 676 retained).
Molecular consequence: synonymous variant.
Genome position (GRCh38, 1-based): chr12:32,802,542, C>T on the plus strand (G>A on the coding strand, the complement: PKP2 is on the minus strand). VCF-style: chr12-32802542-C-T. GRCh37 (hg19) VCF-style: chr12-32955476-C-T.
Other names: c.2160G>A, p.Val720= (NM_004572.4).
Identifiers: ClinVar variation 669347 (VCV000669347.9), dbSNP rs1397771521, ClinGen allele CA479174863.

ClinVar aggregate classification (germline): Likely benign. Review status: criteria provided, multiple submitters, no conflicts (2 of 4 stars). 3 submissions from 3 submitters: Likely benign (3). Last evaluated 2025-04-02.

Conditions:
Arrhythmogenic right ventricular dysplasia 9 (ARVD9). Also called: Arrhythmogenic Right Ventricular Dysplasia/Cardiomyopathy 9; ARRHYTHMOGENIC RIGHT VENTRICULAR DYSPLASIA, FAMILIAL, 9. Identifiers: MedGen C1836906, MONDO:0012180, OMIM 609040.

Allele frequency attached by ClinVar (database versions not stated): gnomAD exomes below 0.00001.
gnomAD v4.1: 4 of 1,614,056 alleles (0.00025%); highest among the groups gnomAD compares: Non-Finnish European, 0.00034%; no homozygotes.

Submissions (3):

Labcorp Genetics (formerly Invitae), Labcorp
Classification: Likely benign for Arrhythmogenic right ventricular dysplasia 9. Last evaluated: 2025-04-02. Review status: criteria provided, single submitter. Criteria: Invitae Variant Classification Sherloc (09022015). Collection method: clinical testing. Allele origin: germline.

Women's Health and Genetics/Laboratory Corporation of America, LabCorp
Classification: Likely benign. Last evaluated: 2025-02-09. Review status: criteria provided, single submitter. Criteria: LabCorp Variant Classification Summary - May 2015. Collection method: clinical testing. Allele origin: germline.

GeneDx
Classification: Likely benign. Last evaluated: 2018-04-06. Review status: criteria provided, single submitter. Criteria: GeneDx Variant Classification (06012015). Collection method: clinical testing. Allele origin: germline. Affected: yes.
Comment: This variant is considered likely benign or benign based on one or more of the following criteria: it is a conservative change, it occurs at a poorly conserved position in the protein, it is predicted to be benign by multiple in silico algorithms, and/or has population frequency not consistent with disease.